The following is an entry in ClinVar:

ClinVar aggregate classification (germline): Pathogenic (1 of 4 stars; one submission).

Conditions:
Developmental and epileptic encephalopathy, 11 (DEE11). Also called: Early infantile epileptic encephalopathy 11. Identifiers: Orphanet 1934, MedGen C3150987, MONDO:0013388, OMIM 613721.
Seizures, benign familial infantile, 3 (BFIS3). Also called: Familial neonatal seizures; CONVULSIONS, BENIGN FAMILIAL INFANTILE, 3. Identifiers: Orphanet 140927, Orphanet 306, MedGen C1843140, MONDO:0011904, OMIM 607745.

Submission:

Labcorp Genetics (formerly Invitae), Labcorp
Classification: Pathogenic for Seizures, benign familial infantile, 3; Developmental and epileptic encephalopathy, 11. Last evaluated: 2023-07-10. Review status: criteria provided, single submitter. Criteria: Invitae Variant Classification Sherloc (09022015). Collection method: clinical testing. Allele origin: germline.
Comment: For these reasons, this variant has been classified as Pathogenic. ClinVar contains an entry for this variant (Variation ID: 2034034). This variant has not been reported in the literature in individuals affected with SCN2A-related conditions. This variant is not present in population databases (gnomAD no frequency). This sequence change creates a premature translational stop signal (p.Tyr781*) in the SCN2A gene. It is expected to result in an absent or disrupted protein product. Loss-of-function variants in SCN2A are known to be pathogenic (PMID: 28379373).

Literature cited by the submitters: PubMed 28379373.

NM_001040142.2(SCN2A):c.2343T>G (p.Tyr781Ter)

Gene: SCN2A (sodium voltage-gated channel alpha subunit 2; plus strand). Cytogenetic location: 2q24.3.
Variant type: single nucleotide variant.
Coding change: c.2343T>G on transcript NM_001040142.2 (MANE Select); coding-DNA position 2343, T replaced by G.
Protein change: p.Tyr781Ter; replaces tyrosine 781 with a stop codon.
Molecular consequence: nonsense.
Genome position (GRCh38, 1-based): chr2:165,331,523, T>G. VCF-style: chr2-165331523-T-G. GRCh37 (hg19) VCF-style: chr2-166188033-T-G.
Other names: c.2343T>G, p.Tyr781Ter (NM_001040143.2, NM_001371246.1, NM_001371247.1 and 1 more transcripts); short protein forms Y781*.
Identifiers: ClinVar variation 2034034 (VCV002034034.4), dbSNP rs2467962102, ClinGen allele CA349031492.
Genomic context (GRCh38, chr2:165,331,523, plus strand): 5'-TGACCTGGCCATCACCATCTGCATTGTCTTAAATACACTCTTCATGGCTATGGAGCACTA[T>G]CCCATGACGGAGCAGTTCAGCAGTGTACTGTCTGTTGGAAACCTGGTAAGCCTCACTGAG-3'